The following is an entry in ClinVar:

ClinVar aggregate classification (germline): Uncertain significance (1 of 4 stars; one submission).

gnomAD v4.1: 10 of 1,602,352 alleles (0.00062%); highest among the groups gnomAD compares: Admixed American, 0.0085%; no homozygotes.

Submission:

Labcorp Genetics (formerly Invitae), Labcorp
Classification: Uncertain significance. Last evaluated: 2025-10-13. Review status: criteria provided, single submitter. Criteria: Invitae Variant Classification Sherloc (09022015). Collection method: clinical testing. Allele origin: germline.
Comment: This sequence change replaces glycine, which is neutral and non-polar, with valine, which is neutral and non-polar, at codon 311 of the HERC1 protein (p.Gly311Val). This variant is present in population databases (rs574150491, gnomAD 0.01%). This variant has not been reported in the literature in individuals affected with HERC1-related conditions. ClinVar contains an entry for this variant (Variation ID: 3612816). An algorithm developed to predict the effect of missense changes on protein structure and function (PolyPhen-2) suggests that this variant is likely to be tolerated. In summary, the available evidence is currently insufficient to determine the role of this variant in disease. Therefore, it has been classified as a Variant of Uncertain Significance.

NM_003922.4(HERC1):c.932G>T (p.Gly311Val)

Gene: HERC1 (HECT and RLD domain containing E3 ubiquitin protein ligase family member 1; minus strand). Cytogenetic location: 15q22.31.
Variant type: single nucleotide variant.
Coding change: c.932G>T on transcript NM_003922.4 (MANE Select); coding-DNA position 932, G replaced by T.
Protein change: p.Gly311Val; replaces glycine 311 with valine.
Molecular consequence: missense variant.
Genome position (GRCh38, 1-based): chr15:63,764,190, C>A on the plus strand (G>T on the coding strand, the complement: HERC1 is on the minus strand). VCF-style: chr15-63764190-C-A. GRCh37 (hg19) VCF-style: chr15-64056389-C-A.
Other names: short protein forms G311V.
Identifiers: ClinVar variation 3612816 (VCV003612816.2).